The following is an entry in ClinVar:

NM_000337.6(SGCD):c.314A>G (p.Lys105Arg)

Gene: SGCD (sarcoglycan delta; plus strand). Cytogenetic location: 5q33.3.
Variant type: single nucleotide variant.
Coding change: c.314A>G on transcript NM_000337.6 (MANE Select); coding-DNA position 314, A replaced by G.
Protein change: p.Lys105Arg; replaces lysine 105 with arginine.
Molecular consequence: missense variant.
Genome position (GRCh38, 1-based): chr5:156,589,250, A>G. VCF-style: chr5-156589250-A-G. GRCh37 (hg19) VCF-style: chr5-156016260-A-G.
Other names: c.311A>G, p.Lys104Arg (NM_001128209.2); c.314A>G, p.Lys105Arg (NM_172244.3); short protein forms K104R, K105R.
Identifiers: ClinVar variation 1305703 (VCV001305703.4), dbSNP rs1760622847, ClinGen allele CA362008520.

ClinVar aggregate classification (germline): Uncertain significance. Review status: criteria provided, multiple submitters, no conflicts (2 of 4 stars). 2 submissions from 2 submitters: Uncertain significance (2). Last evaluated 2023-05-30.

Allele frequency attached by ClinVar (database versions not stated): TOPMed below 0.00001.
gnomAD v4.1: 1 of 1,570,252 alleles (0.000064%); highest among the groups gnomAD compares: African/African-American, 0.0013%; no homozygotes.

Submissions (2):

Revvity Omics, Revvity
Classification: Uncertain significance. Last evaluated: 2023-05-30. Review status: criteria provided, single submitter. Criteria: ACMG Guidelines, 2015. Collection method: clinical testing. Allele origin: germline.

GeneDx
Classification: Uncertain significance. Last evaluated: 2019-05-04. Review status: criteria provided, single submitter. Criteria: GeneDx Variant Classification Process June 2021. Collection method: clinical testing. Allele origin: germline. Affected: yes.
Comment: Not observed in large population cohorts (Lek et al., 2016); In silico analysis, which includes protein predictors and evolutionary conservation, supports that this variant does not alter protein structure/function; Has not been previously published as pathogenic or benign to our knowledge